The following is an entry in ClinVar:

NM_032217.5(ANKRD17):c.3281G>A (p.Gly1094Asp)

Gene: ANKRD17 (ankyrin repeat domain 17; minus strand). Cytogenetic location: 4q13.3.
Variant type: single nucleotide variant.
Coding change: c.3281G>A on transcript NM_032217.5 (MANE Select); coding-DNA position 3281, G replaced by A.
Protein change: p.Gly1094Asp; replaces glycine 1094 with aspartic acid.
Molecular consequence: missense variant.
Genome position (GRCh38, 1-based): chr4:73,125,266, C>T on the plus strand (G>A on the coding strand, the complement: ANKRD17 is on the minus strand). VCF-style: chr4-73125266-C-T. GRCh37 (hg19) VCF-style: chr4-73990983-C-T.
Other names: c.2942G>A, p.Gly981Asp (NM_001286771.3); c.3278G>A, p.Gly1093Asp (NM_015574.2); c.2528G>A, p.Gly843Asp (NM_198889.3); short protein forms G1094D, G981D, G1093D, G843D.
Identifiers: ClinVar variation 2692546 (VCV002692546.1), dbSNP rs2530721142, ClinGen allele CA357217731.

ClinVar aggregate classification (germline): Uncertain significance (1 of 4 stars; one submission).

Submission:

Greenwood Genetic Center Diagnostic Laboratories, Greenwood Genetic Center
Classification: Uncertain significance. Last evaluated: 2023-10-12. Review status: criteria provided, single submitter. Criteria: ACMG Guidelines, 2015. Collection method: clinical testing. Allele origin: germline. Affected: yes.
Comment: PM2